The following is an entry in ClinVar:

NM_181523.3(PIK3R1):c.1600C>T (p.Arg534Ter)

Gene: PIK3R1 (phosphoinositide-3-kinase regulatory subunit 1; plus strand). Cytogenetic location: 5q13.1.
Variant type: single nucleotide variant.
Coding change: c.1600C>T on transcript NM_181523.3 (MANE Select); coding-DNA position 1600, C replaced by T.
Protein change: p.Arg534Ter; replaces arginine 534 with a stop codon.
Molecular consequence: nonsense.
Genome position (GRCh38, 1-based): chr5:68,295,179, C>T. VCF-style: chr5-68295179-C-T. GRCh37 (hg19) VCF-style: chr5-67591007-C-T.
Other names: c.511C>T, p.Arg171Ter (NM_001242466.2); c.790C>T, p.Arg264Ter (NM_181504.4); c.700C>T, p.Arg234Ter (NM_181524.2); short protein forms R264*, R171*, R234*, R534*.
Identifiers: ClinVar variation 4791512 (VCV004791512.2).

ClinVar aggregate classification (germline): Pathogenic (1 of 4 stars; one submission).
ClinVar aggregate classification (oncogenicity): Likely oncogenic (1 of 4 stars; one submission).

Conditions:
SHORT syndrome. Also called: SHORT STATURE, HYPEREXTENSIBILITY, HERNIA, OCULAR DEPRESSION, RIEGER ANOMALY, AND TEETHING DELAY; LIPODYSTROPHY, PARTIAL, WITH RIEGER ANOMALY AND SHORT STATURE; PIK3R1-Related SHORT Syndrome. Identifiers: Orphanet 3163, MedGen C0878684, MONDO:0010026, OMIM 269880.
Immunodeficiency 36 with lymphoproliferation. Also called: Immunodeficiency 36; ACTIVATED PI3K-DELTA SYNDROME 2; Activated PI3K Delta Syndrome Type 2 (APDS2). Identifiers: Orphanet 397596, Orphanet 693681, MedGen C4014934, MONDO:0014453, OMIM 616005.
Agammaglobulinemia 7, autosomal recessive (AGM7). Also called: AGAMMAGLOBULINEMIA, AUTOSOMAL RECESSIVE, DUE TO PIK3R1 DEFECT. Identifiers: MedGen C3554689, MONDO:0014083, OMIM 615214.
Neoplasm. Also called: Neoplasms; Neoplasm (disease); tumor. Identifiers: MedGen C0027651, MeSH D009369, MONDO:0005070, HP:0002664.

Submissions (2):

Center for Genomic Medicine, Rigshospitalet, Copenhagen University Hospital
Classification: Likely oncogenic for Neoplasm. Last evaluated: 2026-10-16. Review status: criteria provided, single submitter. Criteria: ClinGen/CGC/VICC Guidelines for Oncogenicity, 2022. Collection method: clinical testing. Allele origin: somatic. Affected: yes.

Labcorp Genetics (formerly Invitae), Labcorp
Classification: Pathogenic for SHORT syndrome; Immunodeficiency 36 with lymphoproliferation; Agammaglobulinemia 7, autosomal recessive. Last evaluated: 2025-11-24. Review status: criteria provided, single submitter. Criteria: Invitae Variant Classification Sherloc (09022015). Collection method: clinical testing. Allele origin: germline.
Comment: This sequence change creates a premature translational stop signal (p.Arg534*) in the PIK3R1 gene. It is expected to result in an absent or disrupted protein product. Loss-of-function variants in PIK3R1 are known to be pathogenic (PMID: 22351933, 25133428). This variant is not present in population databases (gnomAD no frequency). This variant has not been reported in the literature in individuals affected with PIK3R1-related conditions. For these reasons, this variant has been classified as Pathogenic.

Literature cited by the submitters: PubMed 22351933 (cited by Labcorp Genetics (formerly Invitae), Labcorp); PubMed 25133428 (cited by Labcorp Genetics (formerly Invitae), Labcorp).